The following is an entry in ClinVar:

NM_001165963.4(SCN1A):c.2380G>C (p.Asp794His)

Gene: SCN1A (sodium voltage-gated channel alpha subunit 1; minus strand). Cytogenetic location: 2q24.3.
Variant type: single nucleotide variant.
Coding change: c.2380G>C on transcript NM_001165963.4 (MANE Select); coding-DNA position 2380, G replaced by C.
Protein change: p.Asp794His; replaces aspartic acid 794 with histidine.
Molecular consequence: missense variant. On other transcripts: 5 prime UTR variant (1), non-coding transcript variant (1).
Genome position (GRCh38, 1-based): chr2:166,041,266, C>G on the plus strand (G>C on the coding strand, the complement: SCN1A is on the minus strand). VCF-style: chr2-166041266-C-G. GRCh37 (hg19) VCF-style: chr2-166897776-C-G.
Other names: c.2296G>C, p.Asp766His (NM_001165964.3, NM_001353957.2, NM_001353958.2); c.2380G>C, p.Asp794His (NM_001202435.3, NM_001353948.2); c.2347G>C, p.Asp783His (NM_001353949.2, NM_001353950.2, NM_001353951.2 and 2 more transcripts); c.2344G>C, p.Asp782His (NM_001353954.2, NM_001353955.2); c.2293G>C, p.Asp765His (NM_001353960.2); c.-79G>C (NM_001353961.2); short protein forms D765H, D782H, D766H, D783H, D794H.
Identifiers: ClinVar variation 2739432 (VCV002739432.3), dbSNP rs1360811002, ClinGen allele CA349063865.

ClinVar aggregate classification (germline): Uncertain significance (1 of 4 stars; one submission).

Conditions:
Early-infantile DEE. Also called: Early infantile epileptic encephalopathy with suppression bursts; Early infantile epileptic encephalopathy; Ohtahara syndrome. Identifiers: Orphanet 1934, MedGen C0393706, MONDO:0800491.

Submission:

Labcorp Genetics (formerly Invitae), Labcorp
Classification: Uncertain significance for Early-infantile DEE. Last evaluated: 2024-04-09. Review status: criteria provided, single submitter. Criteria: Invitae Variant Classification Sherloc (09022015). Collection method: clinical testing. Allele origin: germline.
Comment: This sequence change replaces aspartic acid, which is acidic and polar, with histidine, which is basic and polar, at codon 794 of the SCN1A protein (p.Asp794His). This variant is not present in population databases (gnomAD no frequency). This variant has not been reported in the literature in individuals affected with SCN1A-related conditions. Advanced modeling of protein sequence and biophysical properties (such as structural, functional, and spatial information, amino acid conservation, physicochemical variation, residue mobility, and thermodynamic stability) performed at Invitae indicates that this missense variant is not expected to disrupt SCN1A protein function with a negative predictive value of 95%. In summary, the available evidence is currently insufficient to determine the role of this variant in disease. Therefore, it has been classified as a Variant of Uncertain Significance.